The following is an entry in ClinVar:

ClinVar aggregate classification (germline): Pathogenic. Review status: criteria provided, single submitter (1 of 4 stars). 2 submissions from 2 submitters: Pathogenic (1). 1 of the submissions does not count toward it. Last evaluated 2023-02-27.

Conditions:
TYR-related disorder. Also called: TYR-related condition.

Submissions (2):

Labcorp Genetics (formerly Invitae), Labcorp
Classification: Pathogenic. Last evaluated: 2023-02-27. Review status: criteria provided, single submitter. Criteria: Invitae Variant Classification Sherloc (09022015). Collection method: clinical testing. Allele origin: germline.
Comment: For these reasons, this variant has been classified as Pathogenic. This variant has not been reported in the literature in individuals affected with TYR-related conditions. This variant is not present in population databases (gnomAD no frequency). This sequence change creates a premature translational stop signal (p.Phe135Serfs*5) in the TYR gene. It is expected to result in an absent or disrupted protein product. Loss-of-function variants in TYR are known to be pathogenic (PMID: 23504663).

PreventionGenetics, part of Exact Sciences
Classification: Likely pathogenic for TYR-related condition. Last evaluated: 2024-03-21. Review status: no assertion criteria provided. Collection method: clinical testing. Allele origin: germline. Not counted in ClinVar's aggregate classification.
Comment: The TYR c.404_621del218 variant is predicted to result in a frameshift and premature protein termination (p.Phe135Serfs*5). To our knowledge, this variant has not been reported in the literature or in a large population database, indicating this variant is rare. Frameshift variants in TYR are expected to be pathogenic. This variant is interpreted as likely pathogenic.

Literature cited by the submitters: PubMed 23504663 (cited by Labcorp Genetics (formerly Invitae), Labcorp).

NM_000372.5(TYR):c.404_621del (p.Phe135fs)

Gene: TYR (tyrosinase; plus strand). Cytogenetic location: 11q14.3.
Variant type: Deletion.
Coding change: c.404_621del on transcript NM_000372.5 (MANE Select); coding-DNA positions 404 to 621, 218 bases deleted.
Protein change: p.Phe135fs; shifts the reading frame from phenylalanine 135.
Molecular consequence: frameshift variant.
Genome position (GRCh38, 1-based): chr11:89,178,357-89,178,574, 218 bases deleted. GRCh37 (hg19): chr11:88,911,525-88,911,742.
Other names: c.404_621del218 (NM_000372.4); short protein forms F135fs.
Identifiers: ClinVar variation 2841403 (VCV002841403.4), dbSNP rs2496529123, ClinGen allele CA2739270732.